The following is an entry in ClinVar:

NM_001372044.2(SHANK3):c.4009A>C (p.Thr1337Pro)

Gene: SHANK3 (SH3 and multiple ankyrin repeat domains 3; plus strand). Cytogenetic location: 22q13.33.
Variant type: single nucleotide variant.
Coding change: c.4009A>C on transcript NM_001372044.2 (MANE Select); coding-DNA position 4009, A replaced by C.
Protein change: p.Thr1337Pro; replaces threonine 1337 with proline.
Molecular consequence: missense variant.
Genome position (GRCh38, 1-based): chr22:50,721,617, A>C. VCF-style: chr22-50721617-A-C. GRCh37 (hg19) VCF-style: chr22-51160045-A-C.
Other names: c.3784A>C (NM_033517.1); c.4009A>C (NM_001372044.1); short protein forms T1337P.
Identifiers: ClinVar variation 3318211 (VCV003318211.2).

ClinVar aggregate classification (germline): Uncertain significance. Review status: criteria provided, multiple submitters, no conflicts (2 of 4 stars). 2 submissions from 2 submitters: Uncertain significance (2). Last evaluated 2024-07-02.

Conditions:
Inborn genetic diseases. Identifiers: MedGen C0950123, MeSH D030342.

Submissions (2):

Greenwood Genetic Center Diagnostic Laboratories, Greenwood Genetic Center
Classification: Uncertain significance. Last evaluated: 2024-07-02. Review status: criteria provided, single submitter. Criteria: ACMG Guidelines, 2015. Collection method: clinical testing. Allele origin: germline. Affected: yes.
Comment: PM2, BP4

Ambry Genetics
Classification: Uncertain significance for Inborn genetic diseases. Last evaluated: 2024-05-20. Review status: criteria provided, single submitter. Criteria: Ambry Variant Classification Scheme 2023. Collection method: clinical testing. Allele origin: germline.